The following is an entry in ClinVar:

NM_001364905.1(LRBA):c.6080A>C (p.Gln2027Pro)

Gene: LRBA (LPS responsive beige-like anchor protein; minus strand). Cytogenetic location: 4q31.3.
Variant type: single nucleotide variant.
Coding change: c.6080A>C on transcript NM_001364905.1 (MANE Select); coding-DNA position 6080, A replaced by C.
Protein change: p.Gln2027Pro; replaces glutamine 2027 with proline.
Molecular consequence: missense variant.
Genome position (GRCh38, 1-based): chr4:150,590,826, T>G on the plus strand (A>C on the coding strand, the complement: LRBA is on the minus strand). VCF-style: chr4-150590826-T-G. GRCh37 (hg19) VCF-style: chr4-151511978-T-G.
Other names: c.6080A>C, p.Gln2027Pro (NM_001199282.3, NM_001367550.1); c.6113A>C, p.Gln2038Pro (NM_006726.5); short protein forms Q2027P, Q2038P.
Identifiers: ClinVar variation 1721818 (VCV001721818.5), dbSNP rs2546893511, ClinGen allele CA358606225.
Genomic context (GRCh38, chr4:150,590,826, plus strand): 5'-CCTTCCAGGAGGATCTCGTTTTCTGAGTTCTGATTTCCTAAAGCCTGACTCCTGATGGAC[T>G]GTTTTCCTTTAGCAAGGATATCTTCATCTGTGGCTGAAATGAAAAGGAAACAAAGCTGTC-3'
Protein context (NP_001351834.1, residues 2017-2037): TDEDILAKGK[Gln2027Pro]SIRSQALGNQ

ClinVar aggregate classification (germline): Uncertain significance (1 of 4 stars; one submission).

Conditions:
Combined immunodeficiency due to LRBA deficiency. Also called: Common variable immunodeficiency 8, with autoimmunity. Identifiers: Orphanet 445018, MedGen C3553512, MONDO:0013863, OMIM 614700.

Submission:

Labcorp Genetics (formerly Invitae), Labcorp
Classification: Uncertain significance for Combined immunodeficiency due to LRBA deficiency. Last evaluated: 2022-07-21. Review status: criteria provided, single submitter. Criteria: Invitae Variant Classification Sherloc (09022015). Collection method: clinical testing. Allele origin: germline.
Comment: In summary, the available evidence is currently insufficient to determine the role of this variant in disease. Therefore, it has been classified as a Variant of Uncertain Significance. Algorithms developed to predict the effect of missense changes on protein structure and function are either unavailable or do not agree on the potential impact of this missense change (SIFT: "Tolerated"; PolyPhen-2: "Probably Damaging"; Align-GVGD: "Class C0"). This variant has not been reported in the literature in individuals affected with LRBA-related conditions. This variant is not present in population databases (gnomAD no frequency). This sequence change replaces glutamine, which is neutral and polar, with proline, which is neutral and non-polar, at codon 2038 of the LRBA protein (p.Gln2038Pro).